The following is an entry in ClinVar:

NM_001044.5(SLC6A3):c.150G>T (p.Pro50=)

Gene: SLC6A3 (solute carrier family 6 member 3). Cytogenetic location: 5p15.33.
Variant type: single nucleotide variant.
Coding change: c.150G>T on transcript NM_001044.5 (MANE Select); coding-DNA position 150, G replaced by T.
Protein change: p.Pro50=; no amino-acid change (proline 50 retained).
Molecular consequence: synonymous variant.
Genome position (GRCh38, 1-based): chr5:1,443,048, C>A on the plus strand (G>T on the coding strand, the complement: SLC6A3 is on the minus strand). VCF-style: chr5-1443048-C-A. GRCh37 (hg19) VCF-style: chr5-1443163-C-A.
Other names: p.Pro50=.
Identifiers: ClinVar variation 470634 (VCV000470634.17), dbSNP rs6346, ClinGen allele CA3186472.
Genomic context (GRCh38, chr5:1,443,048, plus strand): 5'-GAGAAAGTCGATCTTCTTGCCCCAGGTCTCCCGATCCTGGGCCTCCACGGGGCTCTGCCG[C>A]GGGTTGGTGAGGGTGGAGCTGGTGAGCTGCACTCCGTTCTGCTCCTTGACAAGGATGAGC-3'
Protein context (NP_001035.1, residues 40-60): VQLTSSTLTN[Pro50=]RQSPVEAQDR

ClinVar aggregate classification (germline): Benign. Review status: criteria provided, multiple submitters, no conflicts (2 of 4 stars). 5 submissions from 5 submitters: Benign (5). Last evaluated 2026-06-05.

Conditions:
Parkinsonism-dystonia, infantile. Identifiers: Orphanet 238455, MedGen C2751067, MONDO:0013150.
SLC6A3-related disorder. Also called: SLC6A3-related condition.

Allele frequency attached by ClinVar (database versions not stated): gnomAD 0.04096; 1000 Genomes Project 0.04313; TOPMed 0.04558; 1000 Genomes Project 30x 0.04575; ESP Exome Variant Server 0.04721.
gnomAD v4.1: 12,570 of 1,614,162 alleles (0.78%); highest among the groups gnomAD compares: African/African-American, 15%; 842 homozygotes.

Submissions (5):

PreventionGenetics, part of Exact Sciences
Classification: Benign for SLC6A3-related condition. Last evaluated: 2026-06-05. Review status: criteria provided, single submitter. Criteria: ACMG Guidelines, 2015. Collection method: clinical testing. Allele origin: germline.
Comment: This variant is classified as benign based on ACMG/AMP sequence variant interpretation guidelines (Richards et al. 2015 PMID: 25741868, with internal and published modifications).

Labcorp Genetics (formerly Invitae), Labcorp
Classification: Benign for Parkinsonism-dystonia, infantile. Last evaluated: 2026-01-27. Review status: criteria provided, single submitter. Criteria: Invitae Variant Classification Sherloc (09022015). Collection method: clinical testing. Allele origin: germline.

Mayo Clinic Laboratories, Mayo Clinic
Classification: Benign. Last evaluated: 2022-03-24. Review status: criteria provided, single submitter. Criteria: ACMG Guidelines, 2015. Collection method: clinical testing. Allele origin: germline. Observed: 3 variant alleles.

GeneDx
Classification: Benign. Last evaluated: 2018-08-17. Review status: criteria provided, single submitter. Criteria: GeneDx Variant Classification Process June 2021. Collection method: clinical testing. Allele origin: germline. Affected: yes.

Breakthrough Genomics
Classification: Benign. Review status: criteria provided, single submitter. Criteria: ACMG Guidelines, 2015. Collection method: not provided. Allele origin: germline. Inheritance: Autosomal recessive inheritance. Affected: yes.